The following is an entry in ClinVar:

NM_001267550.2(TTN):c.58158A>C (p.Pro19386=)

Genes: TTN (titin; minus strand), TTN-AS1 (TTN antisense RNA 1; plus strand). Cytogenetic location: 2q31.2.
Variant type: single nucleotide variant.
Coding change: c.58158A>C on transcript NM_001267550.2 (MANE Select); coding-DNA position 58158, A replaced by C.
Protein change: p.Pro19386=; no amino-acid change (proline 19386 retained).
Molecular consequence: synonymous variant.
Genome position (GRCh38, 1-based): chr2:178,594,235, T>G on the plus strand (A>C on the coding strand, the complement: TTN is on the minus strand). VCF-style: chr2-178594235-T-G. GRCh37 (hg19) VCF-style: chr2-179458962-T-G.
Other names: c.53235A>C, p.Pro17745= (NM_001256850.1); c.30963A>C, p.Pro10321= (NM_003319.4); c.50454A>C, p.Pro16818= (NM_133378.4); c.31338A>C, p.Pro10446= (NM_133432.3); c.31539A>C, p.Pro10513= (NM_133437.4).
Identifiers: ClinVar variation 3778186 (VCV003778186.7).

ClinVar aggregate classification (germline): Likely benign (1 of 4 stars; one submission).

gnomAD v4.1: 3 of 1,606,124 alleles (0.00019%); highest among the groups gnomAD compares: Non-Finnish European, 0.00025%; no homozygotes.

Submission:

CeGaT Center for Human Genetics Tuebingen
Classification: Likely benign. Last evaluated: 2025-10-01. Review status: criteria provided, single submitter. Criteria: CeGaT Center For Human Genetics Tuebingen Variant Classification Criteria Version 2. Collection method: clinical testing. Allele origin: germline. Affected: yes. Observed: 1 variant allele.
Comment: TTN: BP4, BP7